The following is an entry in ClinVar:

ClinVar aggregate classification (germline): Benign/Likely benign. Review status: criteria provided, multiple submitters, no conflicts (2 of 4 stars). 7 submissions from 7 submitters: Benign (2); Likely benign (5). Last evaluated 2025-12-30.

Conditions:
Collagen 6-related myopathy. Identifiers: MedGen CN117976, MONDO:0100225.
Bethlem myopathy 1A. Also called: Bethlem myopathy 1; Bethlem Muscular Dystrophy; MYOPATHY, BENIGN CONGENITAL, WITH CONTRACTURES. Identifiers: Orphanet 610, MedGen CN029274, MONDO:0024530, OMIM 158810.

Allele frequency attached by ClinVar (database versions not stated): gnomAD exomes 0.00020 and 0.00047; ExAC 0.00067; gnomAD 0.00186 and 0.00199; TOPMed 0.00197; 1000 Genomes Project 0.00220; ESP Exome Variant Server 0.00261; 1000 Genomes Project 30x 0.00265.
gnomAD v4.1: 588 of 1,612,856 alleles (0.036%); highest among the groups gnomAD compares: African/African-American, 0.69%; 4 homozygotes.

Submissions (7):

Labcorp Genetics (formerly Invitae), Labcorp
Classification: Benign for Bethlem myopathy 1A. Last evaluated: 2025-12-30. Review status: criteria provided, single submitter. Criteria: Invitae Variant Classification Sherloc (09022015). Collection method: clinical testing. Allele origin: germline.

Blueprint Genetics
Classification: Likely benign. Last evaluated: 2024-08-15. Review status: criteria provided, single submitter. Criteria: ACMG Guidelines, 2015. Collection method: clinical testing. Allele origin: germline.

CeGaT Center for Human Genetics Tuebingen
Classification: Likely benign. Last evaluated: 2024-08-01. Review status: criteria provided, single submitter. Criteria: CeGaT Center For Human Genetics Tuebingen Variant Classification Criteria Version 2. Collection method: clinical testing. Allele origin: germline. Affected: yes. Observed: 2 variant alleles.
Comment: COL6A2: BP4, BP7

GeneDx
Classification: Likely benign. Last evaluated: 2020-12-14. Review status: criteria provided, single submitter. Criteria: GeneDx Variant Classification Process June 2021. Collection method: clinical testing. Allele origin: germline. Affected: yes.

Illumina Laboratory Services, Illumina
Classification: Benign for Collagen VI-related myopathy. Last evaluated: 2018-01-13. Review status: criteria provided, single submitter. Criteria: ICSL Variant Classification Criteria 13 December 2019. Collection method: clinical testing. Allele origin: germline.
Comment: This variant was observed in the ICSL laboratory as part of a predisposition screen in an ostensibly healthy population. It had not been previously curated by ICSL or reported in the Human Gene Mutation Database (HGMD: prior to June 1st, 2018), and was therefore a candidate for classification through an automated scoring system. Utilizing variant allele frequency, disease prevalence and penetrance estimates, and inheritance mode, an automated score was calculated to assess if this variant is too frequent to cause the disease. Based on the score and internal cut-off values, a variant classified as benign is not then subjected to further curation. The score for this variant resulted in a classification of benign for this disease.

Eurofins Ntd Llc (ga)
Classification: Likely benign. Last evaluated: 2016-09-06. Review status: criteria provided, single submitter. Criteria: EGL Classification Definitions 2015. Collection method: clinical testing. Allele origin: germline. Observed: 1 variant allele, 1 heterozygote.

Breakthrough Genomics
Classification: Likely benign. Review status: criteria provided, single submitter. Criteria: ACMG Guidelines, 2015. Collection method: not provided. Allele origin: germline. Inheritance: Autosomal recessive inheritance. Affected: yes.

NM_001849.4(COL6A2):c.81G>A (p.Ser27=)

Gene: COL6A2 (collagen type VI alpha 2 chain; plus strand). Cytogenetic location: 21q22.3.
Variant type: single nucleotide variant.
Coding change: c.81G>A on transcript NM_001849.4 (MANE Select); coding-DNA position 81, G replaced by A.
Protein change: p.Ser27=; no amino-acid change (serine 27 retained).
Molecular consequence: synonymous variant.
Genome position (GRCh38, 1-based): chr21:46,111,557, G>A. VCF-style: chr21-46111557-G-A. GRCh37 (hg19) VCF-style: chr21-47531471-G-A.
Other names: c.81G>A, p.Ser27= (NM_058174.3, NM_058175.3).
Identifiers: ClinVar variation 290722 (VCV000290722.68), dbSNP rs111639540, ClinGen allele CA10071170.